The following is an entry in ClinVar:

NM_000551.4(VHL):c.368G>T (p.Gly123Val)

Genes: VHL (von Hippel-Lindau tumor suppressor; plus strand), LOC107303340 (3p25 von Hippel-Lindau tumor suppressor, E3 ubiquitin protein ligase Alu-mediated recombination region; plus strand). Cytogenetic location: 3p25.3.
Variant type: single nucleotide variant.
Coding change: c.368G>T on transcript NM_000551.4 (MANE Select); coding-DNA position 368, G replaced by T.
Protein change: p.Gly123Val; replaces glycine 123 with valine.
Molecular consequence: missense variant. On other transcripts: non-coding transcript variant (1), intron variant (2).
Genome position (GRCh38, 1-based): chr3:10,146,541, G>T. VCF-style: chr3-10146541-G-T. GRCh37 (hg19) VCF-style: chr3-10188225-G-T.
Other names: c.*18-3246G>T (NM_001354723.2); c.341-3246G>T (NM_198156.3); short protein forms G123V.
Identifiers: ClinVar variation 3753899 (VCV003753899.3).

ClinVar aggregate classification (germline): Conflicting classifications of pathogenicity. Review status: criteria provided, conflicting classifications (1 of 4 stars). 2 submissions from 2 submitters: Uncertain significance (1); Likely benign (1). Last evaluated 2025-12-19.

Conditions:
Hereditary cancer-predisposing syndrome. Also called: Neoplastic Syndromes, Hereditary; Tumor predisposition; Hereditary Cancer Syndrome; Hereditary neoplastic syndrome. Identifiers: Orphanet 140162, MedGen C0027672, MeSH D009386, MONDO:0015356.
Chuvash polycythemia. Also called: POLYCYTHEMIA, VHL-DEPENDENT. Identifiers: Orphanet 238557, MedGen C1837915, MONDO:0009892, OMIM 263400.
Von Hippel-Lindau syndrome (VHLS). Also called: VHL syndrome; von Hippel–Lindau syndrome; Von Hippel-Lindau. Identifiers: Orphanet 892, MedGen C0019562, MONDO:0008667, OMIM 193300. Disease mechanism: loss of function.

Submissions (2):

Labcorp Genetics (formerly Invitae), Labcorp
Classification: Uncertain significance for Von Hippel-Lindau syndrome; Chuvash polycythemia. Last evaluated: 2025-12-19. Review status: criteria provided, single submitter. Criteria: Invitae Variant Classification Sherloc (09022015). Collection method: clinical testing. Allele origin: germline.
Comment: This sequence change replaces glycine, which is neutral and non-polar, with valine, which is neutral and non-polar, at codon 123 of the VHL protein (p.Gly123Val). This variant is not present in population databases (gnomAD no frequency). This variant has not been reported in the literature in individuals affected with VHL-related conditions. ClinVar contains an entry for this variant (Variation ID: 3753899). Invitae Evidence Modeling of protein sequence and biophysical properties (such as structural, functional, and spatial information, amino acid conservation, physicochemical variation, residue mobility, and thermodynamic stability) indicates that this missense variant is expected to disrupt VHL protein function with a positive predictive value of 95%. In summary, the available evidence is currently insufficient to determine the role of this variant in disease. Therefore, it has been classified as a Variant of Uncertain Significance.

Ambry Genetics
Classification: Likely benign for Hereditary cancer-predisposing syndrome. Last evaluated: 2025-07-08. Review status: criteria provided, single submitter. Criteria: Ambry Variant Classification Scheme 2023. Collection method: clinical testing. Allele origin: germline.

Literature cited by the submitters: PubMed 38969834 (cited by Ambry Genetics).